The following is an entry in ClinVar:

ClinVar aggregate classification (germline): Uncertain significance (1 of 4 stars; one submission).

Conditions:
Hereditary cancer-predisposing syndrome. Also called: Neoplastic Syndromes, Hereditary; Tumor predisposition; Hereditary Cancer Syndrome; Hereditary neoplastic syndrome. Identifiers: Orphanet 140162, MedGen C0027672, MeSH D009386, MONDO:0015356.

Submission:

Ambry Genetics
Classification: Uncertain significance for Hereditary cancer-predisposing syndrome. Last evaluated: 2026-01-13. Review status: criteria provided, single submitter. Criteria: Ambry Variant Classification Scheme 2023. Collection method: clinical testing. Allele origin: germline.
Comment: The p.Q176H variant (also known as c.528G>T), located in coding exon 4 of the CTNNA1 gene, results from a G to T substitution at nucleotide position 528. The glutamine at codon 176 is replaced by histidine, an amino acid with highly similar properties. This amino acid position is well conserved in available vertebrate species. In addition, this alteration is predicted to be tolerated by in silico analysis. Based on the available evidence, the clinical significance of this variant remains unclear.

NM_001903.5(CTNNA1):c.528G>T (p.Gln176His)

Gene: CTNNA1 (catenin alpha 1; plus strand). Cytogenetic location: 5q31.2.
Variant type: single nucleotide variant.
Coding change: c.528G>T on transcript NM_001903.5 (MANE Select); coding-DNA position 528, G replaced by T.
Protein change: p.Gln176His; replaces glutamine 176 with histidine.
Molecular consequence: missense variant.
Genome position (GRCh38, 1-based): chr5:138,812,242, G>T. VCF-style: chr5-138812242-G-T. GRCh37 (hg19) VCF-style: chr5-138147931-G-T.
Other names: c.528G>T, p.Gln176His (NM_001290307.3, NM_001323982.2, NM_001323983.1 and 3 more transcripts); c.219G>T, p.Gln73His (NM_001290309.3); c.159G>T, p.Gln53His (NM_001290310.3); short protein forms Q73H, Q176H, Q53H.
Identifiers: ClinVar variation 4843834 (VCV004843834.1).